The following is an entry in ClinVar:

NM_170606.3(KMT2C):c.6607T>C (p.Tyr2203His)

Gene: KMT2C (lysine methyltransferase 2C; minus strand). Cytogenetic location: 7q36.1.
Variant type: single nucleotide variant.
Coding change: c.6607T>C on transcript NM_170606.3 (MANE Select); coding-DNA position 6607, T replaced by C.
Protein change: p.Tyr2203His; replaces tyrosine 2203 with histidine.
Molecular consequence: missense variant.
Genome position (GRCh38, 1-based): chr7:152,181,253, A>G on the plus strand (T>C on the coding strand, the complement: KMT2C is on the minus strand). VCF-style: chr7-152181253-A-G. GRCh37 (hg19) VCF-style: chr7-151878338-A-G.
Other names: c.6607T>C (NM_170606.2); short protein forms Y2203H.
Identifiers: ClinVar variation 1335699 (VCV001335699.38), dbSNP rs375661369, ClinGen allele CA4580044.
Genomic context (GRCh38, chr7:152,181,253, plus strand): 5'-CTGGTGGCTGAGAGTAAGGGACAGAAATTCCAGGTCTTGGTGTTCCAGGAGGATGAGCAT[A>G]TGGATCAGAATGCCTCTGATTTGTTACAGGTGTAACAAACAAGTCAGTTTGTGTAGATGG-3'
Protein context (NP_733751.2, residues 2193-2213): PVTNQRHSDP[Tyr2203His]AHPPGTPRPG

ClinVar aggregate classification (germline): Conflicting classifications of pathogenicity. Review status: criteria provided, conflicting classifications (1 of 4 stars). 3 submissions from 3 submitters: Uncertain significance (1); Likely benign (2). Last evaluated 2026-06-25.

Conditions:
Inborn genetic diseases. Identifiers: MedGen C0950123, MeSH D030342.
KMT2C-related disorder. Also called: KMT2C-related disorders; KMT2C-related condition.

Allele frequency attached by ClinVar (database versions not stated): gnomAD 0.00003; gnomAD exomes 0.00003 and 0.00005; ExAC 0.00004; TOPMed 0.00005; ESP Exome Variant Server 0.00015.
gnomAD v4.1: 85 of 1,613,996 alleles (0.0053%); highest among the groups gnomAD compares: Non-Finnish European, 0.0061%; no homozygotes.

Submissions (3):

PreventionGenetics, part of Exact Sciences
Classification: Uncertain significance for KMT2C-related condition. Last evaluated: 2026-06-25. Review status: criteria provided, single submitter. Criteria: ACMG Guidelines, 2015. Collection method: clinical testing. Allele origin: germline.
Comment: The KMT2C c.6607T>C variant is predicted to result in the amino acid substitution p.Tyr2203His. To our knowledge, this variant has not been reported in the literature. This variant is reported in 0.0054% of alleles in individuals of European (Non-Finnish) descent in gnomAD. At this time, the clinical significance of this variant is uncertain due to the absence of conclusive functional and genetic evidence.

Ambry Genetics
Classification: Likely benign for Inborn genetic diseases. Last evaluated: 2022-08-12. Review status: criteria provided, single submitter. Criteria: Ambry Variant Classification Scheme 2023. Collection method: clinical testing. Allele origin: germline.

CeGaT Center for Human Genetics Tuebingen
Classification: Likely benign. Last evaluated: 2021-10-01. Review status: criteria provided, single submitter. Criteria: CeGaT Center For Human Genetics Tuebingen Variant Classification Criteria Version 2. Collection method: clinical testing. Allele origin: germline. Affected: yes. Observed: 1 variant allele.